The following is an entry in ClinVar:

NM_000138.5(FBN1):c.2114-6T>G

Gene: FBN1 (fibrillin 1; minus strand). Cytogenetic location: 15q21.1.
Variant type: single nucleotide variant.
Coding change: c.2114-6T>G on transcript NM_000138.5 (MANE Select); 6 bases into the intron before coding-DNA position 2114, T replaced by G.
Molecular consequence: intron variant.
Genome position (GRCh38, 1-based): chr15:48,499,044, A>C on the plus strand (T>G on the coding strand, the complement: FBN1 is on the minus strand). VCF-style: chr15-48499044-A-C. GRCh37 (hg19) VCF-style: chr15-48791241-A-C.
Other names: c.2114-6T>G (NM_001406716.1).
Identifiers: ClinVar variation 3769627 (VCV003769627.1).

ClinVar aggregate classification (germline): Uncertain significance (1 of 4 stars; one submission).

Conditions:
Marfan syndrome (MFS). Also called: MARFAN SYNDROME, TYPE I; Marfan syndrome type 1; Marfan's syndrome; Marfan syndrome, classic; FBN1-Related Marfan Syndrome. Identifiers: Orphanet 284963, Orphanet 558, MedGen C0024796, MONDO:0007947, OMIM 154700.

Submission:

Clinical and Biomedical Sciences, University of Exeter
Classification: Uncertain significance for Marfan syndrome. Last evaluated: 2025-02-28. Review status: criteria provided, single submitter. Criteria: ACMG Guidelines, 2015. Collection method: research. Allele origin: germline. Affected: yes. Study: 100,000 Genomes Project.
Comment: Prediction is exon 18 skipping (in frame), but no samples available